The following is an entry in ClinVar:

ClinVar aggregate classification (germline): Uncertain significance. Review status: criteria provided, multiple submitters, no conflicts (2 of 4 stars). 2 submissions from 2 submitters: Uncertain significance (2). Last evaluated 2019-07-23.

Conditions:
Hereditary cancer-predisposing syndrome. Also called: Neoplastic Syndromes, Hereditary; Hereditary Cancer Syndrome; Tumor predisposition; Hereditary neoplastic syndrome. Identifiers: Orphanet 140162, MedGen C0027672, MeSH D009386, MONDO:0015356.
Ataxia-telangiectasia syndrome (AT). Also called: LOUIS-BAR SYNDROME; Cerebello-oculocutaneous telangiectasia; Immunodeficiency with ataxia telangiectasia; Ataxia-telangiectasia, complementation group D; AT, COMPLEMENTATION GROUP C; Ataxia-telangiectasia, complementation group E. Identifiers: Orphanet 100, MedGen C0004135, MONDO:0008840, OMIM 208900.

Submissions (2):

Ambry Genetics
Classification: Uncertain significance for Hereditary cancer-predisposing syndrome. Last evaluated: 2019-07-23. Review status: criteria provided, single submitter. Criteria: Ambry Variant Classification Scheme 2023. Collection method: clinical testing. Allele origin: germline.
Comment: The p.Q2971R variant (also known as c.8912A>G), located in coding exon 61 of the ATM gene, results from an A to G substitution at nucleotide position 8912. The glutamine at codon 2971 is replaced by arginine, an amino acid with highly similar properties. This amino acid position is highly conserved in available vertebrate species. In addition, this alteration is predicted to be deleterious by in silico analysis. Since supporting evidence is limited at this time, the clinical significance of this alteration remains unclear.

Labcorp Genetics (formerly Invitae), Labcorp
Classification: Uncertain significance for Ataxia-telangiectasia syndrome. Last evaluated: 2016-05-12. Review status: criteria provided, single submitter. Criteria: Invitae Variant Classification Sherloc (09022015). Collection method: clinical testing. Allele origin: germline.
Comment: In summary, this variant is a novel missense change with uncertain impact on protein function. It has been classified as a Variant of Uncertain Significance. Algorithms developed to predict the effect of missense changes on protein structure and function (SIFT, PolyPhen-2, Align-GVGD) all suggest that this variant is likely to be disruptive, but these predictions have not been confirmed by published functional studies. This variant is not present in population databases (ExAC no frequency) and has not been reported in the literature in individuals with an ATM-related disease. This sequence change replaces glutamine with arginine at codon 2971 of the ATM protein (p.Gln2971Arg). The glutamine residue is highly conserved and there is a small physicochemical difference between glutamine and arginine.

NM_000051.4(ATM):c.8912A>G (p.Gln2971Arg)

Genes: ATM (ATM serine/threonine kinase; plus strand), C11orf65 (chromosome 11 open reading frame 65; minus strand). Cytogenetic location: 11q22.3.
Variant type: single nucleotide variant.
Coding change: c.8912A>G on transcript NM_000051.4 (MANE Select); coding-DNA position 8912, A replaced by G.
Protein change: p.Gln2971Arg; replaces glutamine 2971 with arginine.
Molecular consequence: missense variant. On other transcripts: intron variant (2).
Genome position (GRCh38, 1-based): chr11:108,365,143, A>G. VCF-style: chr11-108365143-A-G. GRCh37 (hg19) VCF-style: chr11-108235870-A-G.
Other names: c.8912A>G, p.Gln2971Arg (NM_001351834.2); c.640+20777T>C (NM_001330368.2); c.694+20777T>C (NM_001351110.2); short protein forms Q2971R.
Identifiers: ClinVar variation 407740 (VCV000407740.13), dbSNP rs1060501714, ClinGen allele CA16613181.